The following is an entry in ClinVar:

NM_000059.4(BRCA2):c.2836del (p.Asp946fs)

Gene: BRCA2 (BRCA2 DNA repair associated; plus strand). Cytogenetic location: 13q13.1.
Variant type: Deletion.
Coding change: c.2836del on transcript NM_000059.4 (MANE Select); coding-DNA position 2836, one base deleted (G; older notation c.2836delG).
Protein change: p.Asp946fs; shifts the reading frame from aspartic acid 946.
Molecular consequence: frameshift variant.
Genome position (GRCh38, 1-based): chr13:32,337,191, G deleted. VCF-style (leftmost placement, unchanged base first): chr13-32337190-AG-A. GRCh37 (hg19) VCF-style: chr13-32911327-AG-A.
Other names: 3064delG; c.2836delG (NM_000059.3).
Identifiers: ClinVar variation 51357 (VCV000051357.32), dbSNP rs80359358, ClinGen allele CA016571.

ClinVar aggregate classification (germline): Pathogenic. Review status: reviewed by expert panel (3 of 4 stars). 12 submissions from 12 submitters: Pathogenic (1). 11 of the submissions do not count toward it. Last evaluated 2016-09-08.

Conditions:
Hereditary cancer-predisposing syndrome. Also called: Neoplastic Syndromes, Hereditary; Tumor predisposition; Hereditary Cancer Syndrome; Hereditary neoplastic syndrome. Identifiers: Orphanet 140162, MedGen C0027672, MeSH D009386, MONDO:0015356.
Hereditary breast ovarian cancer syndrome. Also called: Hereditary breast and ovarian cancer syndrome; Hereditary breast and ovarian cancer; Hereditary breast and ovarian cancer syndrome (HBOC); Breast and ovarian cancer; Hereditary breast and/or ovarian cancer syndrome; BRCA1- and BRCA2-Associated Hereditary Breast and Ovarian Cancer. Identifiers: Orphanet 145, MedGen C0677776, MeSH D061325, MONDO:0003582. Disease mechanism: loss of function.
Breast-ovarian cancer, familial, susceptibility to, 2 (BROVCA2). Also called: BRCA2 Hereditary Breast and Ovarian Cancer. Identifiers: Orphanet 145, MedGen C2675520, MONDO:0012933, OMIM 612555. Disease mechanism: loss of function.
Familial cancer of breast. Also called: BREAST CANCER, FAMILIAL; Hereditary breast cancer; hereditary breast carcinoma. Identifiers: Orphanet 227535, MedGen C0346153, MONDO:0016419, OMIM 114480. Disease mechanism: loss of function.

Submissions (12):

Evidence-based Network for the Interpretation of Germline Mutant Alleles (ENIGMA)
Classification: Pathogenic for Breast-ovarian cancer, familial, susceptibility to, 2. Last evaluated: 2016-09-08. Review status: reviewed by expert panel. Criteria: ENIGMA BRCA1/2 Classification Criteria (2015). Collection method: curation. Allele origin: germline.
Comment: Variant allele predicted to encode a truncated non-functional protein.

Labcorp Genetics (formerly Invitae), Labcorp
Classification: Pathogenic for Hereditary breast ovarian cancer syndrome. Last evaluated: 2025-11-09. Review status: criteria provided, single submitter. Criteria: Invitae Variant Classification Sherloc (09022015). Collection method: clinical testing. Allele origin: germline. Not counted in ClinVar's aggregate classification.
Comment: This sequence change creates a premature translational stop signal (p.Asp946Ilefs*14) in the BRCA2 gene. It is expected to result in an absent or disrupted protein product. Loss-of-function variants in BRCA2 are known to be pathogenic (PMID: 20104584). This variant is not present in population databases (gnomAD no frequency). This variant has not been reported in the literature in individuals affected with BRCA2-related conditions. ClinVar contains an entry for this variant (Variation ID: 51357). For these reasons, this variant has been classified as Pathogenic.

Ambry Genetics
Classification: Pathogenic for Hereditary cancer-predisposing syndrome. Last evaluated: 2025-08-19. Review status: criteria provided, single submitter. Criteria: Ambry Variant Classification Scheme 2023. Collection method: clinical testing. Allele origin: germline. Not counted in ClinVar's aggregate classification.
Comment: The c.2836delG pathogenic mutation, located in coding exon 10 of the BRCA2 gene, results from a deletion of one nucleotide at nucleotide position 2836, causing a translational frameshift with a predicted alternate stop codon (p.D946Ifs*14). This variant is considered to be rare based on population cohorts in the Genome Aggregation Database (gnomAD). This alteration is expected to result in loss of function by premature protein truncation or nonsense-mediated mRNA decay. As such, this alteration is interpreted as a disease-causing mutation.

Quest Diagnostics Nichols Institute San Juan Capistrano
Classification: Pathogenic. Last evaluated: 2025-01-29. Review status: criteria provided, single submitter. Criteria: Quest Diagnostics criteria. Collection method: clinical testing. Allele origin: unknown. Not counted in ClinVar's aggregate classification.
Comment: The BRCA2 c.2836del (p.Asp946Ilefs*14) variant alters the translational reading frame of the BRCA2 mRNA and causes the premature termination of BRCA2 protein synthesis. This variant has been reported in the published literature in an individual with breast and/or ovarian cancer (PMID: 32438681 (2020)) and in three individuals from the CIMBA study; a large multi-center study of individuals with pathogenic variants in BRCA1/2 (PMID: 29446198 (2018)). This variant has not been reported in large, multi-ethnic general populations (Genome Aggregation Database). Based on the available information, this variant is classified as pathogenic.

Genetic Services Laboratory, University of Chicago
Classification: Pathogenic. Last evaluated: 2024-05-20. Review status: criteria provided, single submitter. Criteria: ACMG Guidelines, 2015. Collection method: clinical testing. Allele origin: germline. Affected: yes. Not counted in ClinVar's aggregate classification.
Comment: DNA sequence analysis of the BRCA2 gene demonstrated a single base pair deletion in exon 11, c.2836del. This sequence change results in an amino acid frameshift and creates a premature stop codon 13 amino acids downstream of the change, p.Asp946Ilefs*14. This sequence change is predicted to result in an abnormal transcript, which may be degraded, or may lead to the production of a truncated BRCA2 protein with potentially abnormal function. The c.2836del sequence change has not been described in population databases such as gnomAD. This pathogenic sequence change has been previously described in an individual with BRCA2-related cancers (PMID:32438681,10660329). Based on the available evidence, this variant has been classified as pathogenic.

GeneDx
Classification: Pathogenic. Last evaluated: 2023-11-08. Review status: criteria provided, single submitter. Criteria: GeneDx Variant Classification Process June 2021. Collection method: clinical testing. Allele origin: germline. Affected: yes. Not counted in ClinVar's aggregate classification.
Comment: Frameshift variant predicted to result in protein truncation or nonsense mediated decay in a gene for which loss of function is a known mechanism of disease; Truncating variants in this gene are considered pathogenic by a well-established clinical consortium and/or database; Observed in individuals with a personal or family history consistent with pathogenic variants in this gene (PMID: 32438681); Not observed at significant frequency in large population cohorts (gnomAD); Also known as 3064delG; This variant is associated with the following publications: (PMID: 10660329, 30787465, 29446198, 20104584, 23929434, 32438681)

Baylor Genetics
Classification: Pathogenic for Familial cancer of breast. Last evaluated: 2023-08-15. Review status: criteria provided, single submitter. Criteria: ACMG Guidelines, 2015. Collection method: clinical testing. Allele origin: unknown. Not counted in ClinVar's aggregate classification.

Color Diagnostics, LLC DBA Color Health
Classification: Pathogenic for Hereditary cancer-predisposing syndrome. Last evaluated: 2022-11-21. Review status: criteria provided, single submitter. Criteria: ACMG Guidelines, 2015. Collection method: clinical testing. Allele origin: germline. Not counted in ClinVar's aggregate classification.
Comment: This variant deletes 1 nucleotide in exon 11 of the BRCA2 gene, creating a frameshift and premature translation stop signal. This variant is expected to result in an absent or non-functional protein product. This variant has been reported in one individual affected with breast and/or ovarian cancer (PMID: 32438681) and has been identified in three families among the CIMBA participants (PMID: 29446198). This variant has not been identified in the general population by the Genome Aggregation Database (gnomAD). Loss of BRCA2 function is a known mechanism of disease. Based on the available evidence, this variant is classified as Pathogenic.

Women's Health and Genetics/Laboratory Corporation of America, LabCorp
Classification: Pathogenic for Hereditary breast and ovarian cancer syndrome. Last evaluated: 2020-11-09. Review status: criteria provided, single submitter. Criteria: LabCorp Variant Classification Summary - May 2015. Collection method: clinical testing. Allele origin: germline. Not counted in ClinVar's aggregate classification.
Comment: Variant summary: BRCA2 c.2836delG (p.Asp946IlefsX14) results in a premature termination codon, predicted to cause a truncation of the encoded protein or absence of the protein due to nonsense mediated decay, which are commonly known mechanisms for disease. Truncations downstream of this position have been classified as pathogenic by our laboratory. The variant was absent in 250628 control chromosomes. c.2836delG has been reported in the literature in individuals affected with Hereditary Breast And Ovarian Cancer Syndrome (example, Rebbeck_2018). To our knowledge, no experimental evidence demonstrating an impact on protein function has been reported. Five clinical diagnostic laboratories and one expert panel (ENIGMA) have submitted clinical-significance assessments for this variant to ClinVar after 2014 without evidence for independent evaluation. All submitters classified the variant as pathogenic. Based on the evidence outlined above, the variant was classified as pathogenic.

Consortium of Investigators of Modifiers of BRCA1/2 (CIMBA), c/o University of Cambridge
Classification: Pathogenic for Breast-ovarian cancer, familial, susceptibility to, 2. Last evaluated: 2015-10-02. Review status: criteria provided, single submitter. Criteria: CIMBA Mutation Classification guidelines May 2016. Collection method: clinical testing. Allele origin: germline. Not counted in ClinVar's aggregate classification.

Research Molecular Genetics Laboratory, Women's College Hospital, University of Toronto
Classification: Pathogenic for Hereditary breast ovarian cancer syndrome. Last evaluated: 2014-01-31. Review status: no assertion criteria provided. Collection method: research. Allele origin: germline. Affected: yes. Study: The Canadian Open Genetics Repository (COGR). Not counted in ClinVar's aggregate classification.

Breast Cancer Information Core (BIC) (BRCA2)
Classification: Pathogenic for Breast-ovarian cancer, familial 2. Last evaluated: 2002-05-29. Review status: no assertion criteria provided. Collection method: clinical testing. Allele origin: germline. Affected: yes. Observed: 4 variant alleles. Not counted in ClinVar's aggregate classification.

Literature cited by the submitters: PubMed 20104584 (cited by Labcorp Genetics (formerly Invitae), Labcorp and Quest Diagnostics Nichols Institute San Juan Capistrano); PubMed 29446198 (cited by 4 submitters); PubMed 32438681 (cited by 3 submitters); PubMed 23929434 (cited by Quest Diagnostics Nichols Institute San Juan Capistrano and Women's Health and Genetics/Laboratory Corporation of America, LabCorp); PubMed 10660329 (cited by Quest Diagnostics Nichols Institute San Juan Capistrano).